The following is an entry in ClinVar:

NM_006648.4(WNK2):c.4579C>T (p.Pro1527Ser)

Gene: WNK2 (WNK lysine deficient protein kinase 2; plus strand). Cytogenetic location: 9q22.31.
Variant type: single nucleotide variant.
Coding change: c.4579C>T on transcript NM_006648.4 (MANE Select); coding-DNA position 4579, C replaced by T.
Protein change: p.Pro1527Ser; replaces proline 1527 with serine.
Molecular consequence: missense variant.
Genome position (GRCh38, 1-based): chr9:93,289,333, C>T. VCF-style: chr9-93289333-C-T. GRCh37 (hg19) VCF-style: chr9-96051615-C-T.
Other names: c.4690C>T, p.Pro1564Ser (NM_001282394.3); short protein forms P1564S, P1527S.
Identifiers: ClinVar variation 3816922 (VCV003816922.1).
Genomic context (GRCh38, chr9:93,289,333, plus strand): 5'-GTCAGCCTGGCCACCTCCCAGCTCCCAAGCCCACCCCTGGGGCCCACCGTCCCCCCACAG[C>T]CACCCTCGGCCCTGGAGTCGGATGGGGAAGGGCCGCCCCCCAGGGTGGGCTTTGTGGACA-3'
Protein context (NP_006639.3, residues 1517-1537): PPLGPTVPPQ[Pro1527Ser]PSALESDGEG

ClinVar aggregate classification (germline): Uncertain significance (1 of 4 stars; one submission).

Submission:

Ambry Genetics
Classification: Uncertain significance. Last evaluated: 2025-01-25. Review status: criteria provided, single submitter. Criteria: Ambry Variant Classification Scheme 2023. Collection method: clinical testing. Allele origin: germline.
Comment: The p.P1527S variant (also known as c.4579C>T), located in coding exon 19 of the WNK2 gene, results from a C to T substitution at nucleotide position 4579. The proline at codon 1527 is replaced by serine, an amino acid with similar properties. This amino acid position is conserved. In addition, this alteration is predicted to be tolerated by in silico analysis. Based on the available evidence, the clinical significance of this variant remains unclear.